The following is an entry in ClinVar:

ClinVar aggregate classification (germline): Likely benign. Review status: criteria provided, multiple submitters, no conflicts (2 of 4 stars). 4 submissions from 4 submitters: Likely benign (3). 1 of the submissions does not count toward it. Last evaluated 2025-10-16.

Conditions:
Usher syndrome type 1 (USH1). Also called: RETINITIS PIGMENTOSA AND CONGENITAL DEAFNESS. Identifiers: Orphanet 231169, Orphanet 886, MedGen C1568247, MONDO:0010168, OMIM 276900.

Allele frequency attached by ClinVar (database versions not stated): gnomAD 0.00001 and 0.00003; TOPMed 0.00001; gnomAD exomes 0.00002 and 0.00003; ExAC 0.00003.
gnomAD v4.1: 41 of 1,613,972 alleles (0.0025%); highest among the groups gnomAD compares: Middle Eastern, 0.083%; no homozygotes.

Submissions (4):

Labcorp Genetics (formerly Invitae), Labcorp
Classification: Likely benign. Last evaluated: 2025-10-16. Review status: criteria provided, single submitter. Criteria: Invitae Variant Classification Sherloc (09022015). Collection method: clinical testing. Allele origin: germline.

CeGaT Center for Human Genetics Tuebingen
Classification: Likely benign. Last evaluated: 2022-11-01. Review status: criteria provided, single submitter. Criteria: CeGaT Center For Human Genetics Tuebingen Variant Classification Criteria Version 2. Collection method: clinical testing. Allele origin: germline. Affected: yes. Observed: 1 variant allele.
Comment: CDH23: BP4, BP7

Blueprint Genetics
Classification: Likely benign. Last evaluated: 2022-02-08. Review status: criteria provided, single submitter. Criteria: ACMG Guidelines, 2015. Collection method: clinical testing. Allele origin: germline.

Natera, Inc.
Classification: Likely benign for Usher syndrome type 1. Last evaluated: 2020-09-17. Review status: no assertion criteria provided. Collection method: clinical testing. Allele origin: germline. Not counted in ClinVar's aggregate classification.

NM_022124.6(CDH23):c.3192C>T (p.Ala1064=)

Gene: CDH23 (cadherin related 23; plus strand). Cytogenetic location: 10q22.1.
Variant type: single nucleotide variant.
Coding change: c.3192C>T on transcript NM_022124.6 (MANE Select); coding-DNA position 3192, C replaced by T.
Protein change: p.Ala1064=; no amino-acid change (alanine 1064 retained).
Molecular consequence: synonymous variant.
Genome position (GRCh38, 1-based): chr10:71,709,183, C>T. VCF-style: chr10-71709183-C-T. GRCh37 (hg19) VCF-style: chr10-73468940-C-T.
Other names: c.3192C>T, p.Ala1064= (NM_001171930.2).
Identifiers: ClinVar variation 798731 (VCV000798731.36), dbSNP rs767119185, ClinGen allele CA5544508.
Genomic context (GRCh38, chr10:71,709,183, plus strand): 5'-CGTGGGTTACCGCGATGCCGTTGTGAGAACCGTGGTGGGCCTGGACCGGGAGACCACAGC[C>T]GCCTACATGCTCATCCTGGAGGCCATCGGTATGCACCAGTCCCGCACCCACCAACACAGT-3'
Protein context (NP_071407.4, residues 1054-1074): TVVGLDRETT[Ala1064=]AYMLILEAID